The following is an entry in ClinVar:

NM_002693.3(POLG):c.446C>G (p.Pro149Arg)

Genes: POLG (DNA polymerase gamma, catalytic subunit; minus strand), POLGARF (POLG alternative reading frame; minus strand). Cytogenetic location: 15q26.1.
Variant type: single nucleotide variant.
Coding change: c.446C>G on transcript NM_002693.3 (MANE Select); coding-DNA position 446, C replaced by G.
Protein change: p.Pro149Arg; replaces proline 149 with arginine.
Molecular consequence: missense variant. On other transcripts: synonymous variant (1).
Genome position (GRCh38, 1-based): chr15:89,333,309, G>C on the plus strand (C>G on the coding strand, the complement: POLG is on the minus strand). VCF-style: chr15-89333309-G-C. GRCh37 (hg19) VCF-style: chr15-89876540-G-C.
Other names: c.501C>G, p.Ala167= (NM_001430120.1); c.446C>G, p.Pro149Arg (NM_001126131.2); short protein forms P149R.
Identifiers: ClinVar variation 4767747 (VCV004767747.2).

ClinVar aggregate classification (germline): Uncertain significance. Review status: criteria provided, multiple submitters, no conflicts (2 of 4 stars). 2 submissions from 2 submitters: Uncertain significance (2). Last evaluated 2026-04-13.

Conditions:
Progressive sclerosing poliodystrophy (MTDPS4A). Also called: ALPERS PROGRESSIVE INFANTILE POLIODYSTROPHY; NEURONAL DEGENERATION OF CHILDHOOD WITH LIVER DISEASE, PROGRESSIVE; Alpers Syndrome; ALPERS DIFFUSE DEGENERATION OF CEREBRAL GRAY MATTER WITH HEPATIC CIRRHOSIS; Alpers-Huttenlocher Syndrome; Mitochondrial DNA depletion syndrome 4A (Alpers type). Identifiers: Orphanet 726, MedGen C0205710, MONDO:0008758, OMIM 203700.

gnomAD v4.1: 5 of 1,556,314 alleles (0.00032%); highest among the groups gnomAD compares: South Asian, 0.0012%; no homozygotes.

Submissions (2):

GeneDx
Classification: Uncertain significance. Last evaluated: 2026-04-13. Review status: criteria provided, single submitter. Criteria: GeneDx Variant Classification Process June 2021. Collection method: clinical testing. Allele origin: germline.
Comment: Not observed at significant frequency in large population cohorts (gnomAD); In silico analysis supports that this missense variant has a deleterious effect on protein structure/function; Has not been previously published as pathogenic or benign to our knowledge

Labcorp Genetics (formerly Invitae), Labcorp
Classification: Uncertain significance for Progressive sclerosing poliodystrophy. Last evaluated: 2025-08-25. Review status: criteria provided, single submitter. Criteria: Invitae Variant Classification Sherloc (09022015). Collection method: clinical testing. Allele origin: germline.
Comment: This sequence change replaces proline, which is neutral and non-polar, with arginine, which is basic and polar, at codon 149 of the POLG protein (p.Pro149Arg). This variant is not present in population databases (gnomAD no frequency). This variant has not been reported in the literature in individuals affected with POLG-related conditions. Invitae Evidence Modeling of protein sequence and biophysical properties (such as structural, functional, and spatial information, amino acid conservation, physicochemical variation, residue mobility, and thermodynamic stability) indicates that this missense variant is expected to disrupt POLG protein function with a positive predictive value of 95%. In summary, the available evidence is currently insufficient to determine the role of this variant in disease. Therefore, it has been classified as a Variant of Uncertain Significance.